The following is an entry in ClinVar:

ClinVar aggregate classification (germline): Uncertain significance (1 of 4 stars; one submission).

Allele frequency attached by ClinVar (database versions not stated): gnomAD exomes below 0.00001; TOPMed below 0.00001.
gnomAD v4.1: 1 of 1,610,540 alleles (0.000062%); highest among the groups gnomAD compares: Non-Finnish European, 0.000085%; no homozygotes.

Submission:

Women's Health and Genetics/Laboratory Corporation of America, LabCorp
Classification: Uncertain significance. Last evaluated: 2024-01-05. Review status: criteria provided, single submitter. Criteria: LabCorp Variant Classification Summary - May 2015. Collection method: clinical testing. Allele origin: germline.
Comment: Variant summary: SON c.6493C>T (p.Pro2165Ser) results in a non-conservative amino acid change in the encoded protein sequence. Three of five in-silico tools predict a damaging effect of the variant on protein function. The variant was absent in 246706 control chromosomes. The available data on variant occurrences in the general population are insufficient to allow any conclusion about variant significance. To our knowledge, no occurrence of c.6493C>T in individuals affected with ZTTK Syndrome and no experimental evidence demonstrating its impact on protein function have been reported. No submitters have cited clinical-significance assessments for this variant to ClinVar. Based on the evidence outlined above, the variant was classified as uncertain significance.

NM_138927.4(SON):c.6493C>T (p.Pro2165Ser)

Gene: SON (SON DNA and RNA binding protein; plus strand). Cytogenetic location: 21q22.11.
Variant type: single nucleotide variant.
Coding change: c.6493C>T on transcript NM_138927.4 (MANE Select); coding-DNA position 6493, C replaced by T.
Protein change: p.Pro2165Ser; replaces proline 2165 with serine.
Molecular consequence: missense variant. On other transcripts: non-coding transcript variant (1).
Genome position (GRCh38, 1-based): chr21:33,559,611, C>T. VCF-style: chr21-33559611-C-T. GRCh37 (hg19) VCF-style: chr21-34931917-C-T.
Other names: c.577C>T, p.Pro193Ser (NM_001291412.3, NM_001412132.1); c.6493C>T, p.Pro2165Ser (NM_001412133.1, NM_032195.3, NM_138926.1); c.*289C>T (NM_058183.2); short protein forms P193S, P2165S.
Identifiers: ClinVar variation 3063793 (VCV003063793.1), dbSNP rs2086032717, ClinGen allele CA410118682.